The following is an entry in ClinVar:

ClinVar aggregate classification (germline): Pathogenic (1 of 4 stars; one submission).

Submission:

Labcorp Genetics (formerly Invitae), Labcorp
Classification: Pathogenic. Last evaluated: 2024-01-22. Review status: criteria provided, single submitter. Criteria: Invitae Variant Classification Sherloc (09022015). Collection method: clinical testing. Allele origin: germline.
Comment: This sequence change creates a premature translational stop signal (p.Val469Glufs*5) in the OTOF gene. It is expected to result in an absent or disrupted protein product. Loss-of-function variants in OTOF are known to be pathogenic (PMID: 18381613, 19250381, 22575033). This variant is not present in population databases (gnomAD no frequency). This variant has not been reported in the literature in individuals affected with OTOF-related conditions. For these reasons, this variant has been classified as Pathogenic.

Literature cited by the submitters: PubMed 18381613; PubMed 19250381; PubMed 22575033.

NM_194248.3(OTOF):c.1406_1410del (p.Val469fs)

Gene: OTOF (otoferlin; minus strand). Cytogenetic location: 2p23.3.
Variant type: Deletion.
Coding change: c.1406_1410del on transcript NM_194248.3 (MANE Select); coding-DNA positions 1406 to 1410, 5 bases deleted (TGCAG; older notation c.1406_1410delTGCAG).
Protein change: p.Val469fs; shifts the reading frame from valine 469.
Molecular consequence: frameshift variant.
Genome position (GRCh38, 1-based): chr2:26,482,575-26,482,579, CTGCA deleted on the plus strand (TGCAG on the coding strand, the reverse complement: OTOF is on the minus strand); deleting any 5 consecutive bases within chr2:26,482,575-26,482,582 gives the same sequence; the c. name uses the placement nearest the transcript's 3' end. VCF-style (leftmost placement, unchanged base first): chr2-26482574-TCTGCA-T. GRCh37 (hg19) VCF-style: chr2-26705442-TCTGCA-T.
Other names: c.1406_1410del, p.Val469fs (NM_001287489.2); short protein forms V469fs.
Identifiers: ClinVar variation 2710085 (VCV002710085.3), dbSNP rs2465272964, ClinGen allele CA2697547886.